The following is an entry in ClinVar:

ClinVar aggregate classification (germline): Pathogenic (1 of 4 stars; one submission).

Conditions:
Birt-Hogg-Dube syndrome. Also called: Birt Hogg Dubé syndrome. Identifiers: Orphanet 122, MedGen C0346010, MONDO:0800444.

Submission:

Labcorp Genetics (formerly Invitae), Labcorp
Classification: Pathogenic for Birt-Hogg-Dube syndrome. Last evaluated: 2022-04-28. Review status: criteria provided, single submitter. Criteria: Invitae Variant Classification Sherloc (09022015). Collection method: clinical testing. Allele origin: germline.
Comment: This sequence change creates a premature translational stop signal (p.Glu65Glyfs*34) in the FLCN gene. It is expected to result in an absent or disrupted protein product. Loss-of-function variants in FLCN are known to be pathogenic (PMID: 15852235). This variant is not present in population databases (gnomAD no frequency). This variant has not been reported in the literature in individuals affected with FLCN-related conditions. For these reasons, this variant has been classified as Pathogenic.

Literature cited by the submitters: PubMed 15852235.

NM_144997.7(FLCN):c.194_195del (p.Glu65fs)

Gene: FLCN (folliculin; minus strand). Cytogenetic location: 17p11.2.
Variant type: Microsatellite.
Coding change: c.194_195del on transcript NM_144997.7 (MANE Select); coding-DNA positions 194 to 195, 2 bases deleted (AG; older notation c.194_195delAG).
Protein change: p.Glu65fs; shifts the reading frame from glutamic acid 65.
Molecular consequence: frameshift variant.
Genome position (GRCh38, 1-based): chr17:17,227,943-17,227,944, CT deleted on the plus strand (AG on the coding strand, the reverse complement: FLCN is on the minus strand); deleting any 2 consecutive bases within chr17:17,227,943-17,227,946 gives the same sequence; the c. name uses the placement nearest the transcript's 3' end. VCF-style (leftmost placement, unchanged base first): chr17-17227942-CCT-C. GRCh37 (hg19) VCF-style: chr17-17131256-CCT-C.
Other names: c.194_195del, p.Glu65fs (NM_001353229.2, NM_001353230.2, NM_001353231.2 and 1 more transcripts); short protein forms E65fs.
Identifiers: ClinVar variation 2131602 (VCV002131602.4), dbSNP rs2544307013, ClinGen allele CA2580614017.
Genomic context (GRCh38, chr17:17,227,942, plus strand): 5'-CACTTGCCTCGCACATGTCCGACTTTTTGGGCCCCGGGCTGCTGGACTCGACGCTGGCCC[CCT>C]CTGCGGGGCTGTGCGCACGCATCCGACTGTTCATCTGAATGCCACCTTCCTCTTCTTCCG-3'